The following is an entry in ClinVar:

NM_030632.3(ASXL3):c.6679G>T (p.Gly2227Trp)

Gene: ASXL3 (ASXL transcriptional regulator 3; plus strand). Cytogenetic location: 18q12.1.
Variant type: single nucleotide variant.
Coding change: c.6679G>T on transcript NM_030632.3 (MANE Select); coding-DNA position 6679, G replaced by T.
Protein change: p.Gly2227Trp; replaces glycine 2227 with tryptophan.
Molecular consequence: missense variant.
Genome position (GRCh38, 1-based): chr18:33,746,527, G>T. VCF-style: chr18-33746527-G-T. GRCh37 (hg19) VCF-style: chr18-31326491-G-T.
Other names: short protein forms G2227W.
Identifiers: ClinVar variation 4077370 (VCV004077370.1).
Genomic context (GRCh38, chr18:33,746,527, plus strand): 5'-GATGAATTGGAACTGAAATGCTCTTGCCGGCTGAAAGCCATGATTGTGTGCAAAGGCTGT[G>T]GGGCCTTCTGCCATGACGACTGCATAGGTCCTTCAAAACTTTGTGTAGCATGCCTGGTTG-3'
Protein context (NP_085135.1, residues 2217-2237): LKAMIVCKGC[Gly2227Trp]AFCHDDCIGP

ClinVar aggregate classification (germline): Uncertain significance (1 of 4 stars; one submission).

Submission:

GeneDx
Classification: Uncertain significance. Last evaluated: 2025-03-01. Review status: criteria provided, single submitter. Criteria: GeneDx Variant Classification Process June 2021. Collection method: clinical testing. Allele origin: germline. Affected: yes.
Comment: Not observed at significant frequency in large population cohorts (gnomAD); In silico analysis supports that this missense variant has a deleterious effect on protein structure/function; Has not been previously published as pathogenic or benign to our knowledge